The following is an entry in ClinVar:

NM_005559.4(LAMA1):c.3391G>A (p.Glu1131Lys)

Gene: LAMA1 (laminin subunit alpha 1; minus strand). Cytogenetic location: 18p11.31.
Variant type: single nucleotide variant.
Coding change: c.3391G>A on transcript NM_005559.4 (MANE Select); coding-DNA position 3391, G replaced by A.
Protein change: p.Glu1131Lys; replaces glutamic acid 1131 with lysine.
Molecular consequence: missense variant.
Genome position (GRCh38, 1-based): chr18:7,012,111, C>T on the plus strand (G>A on the coding strand, the complement: LAMA1 is on the minus strand). VCF-style: chr18-7012111-C-T. GRCh37 (hg19) VCF-style: chr18-7012110-C-T.
Other names: c.3391G>A (NM_005559.3); short protein forms E1131K.
Identifiers: ClinVar variation 195826 (VCV000195826.13), dbSNP rs773505947, ClinGen allele CA242457.

ClinVar aggregate classification (germline): Conflicting classifications of pathogenicity. Review status: criteria provided, conflicting classifications (1 of 4 stars). 4 submissions from 4 submitters: Uncertain significance (3); Likely benign (1). Last evaluated 2025-11-08.

Conditions:
Inborn genetic diseases. Identifiers: MedGen C0950123, MeSH D030342.
Ataxia - intellectual disability - oculomotor apraxia - cerebellar cysts syndrome. Also called: Poretti-Boltshauser syndrome. Identifiers: Orphanet 370022, MedGen C4014821, MONDO:0014419, OMIM 615960.

Allele frequency attached by ClinVar (database versions not stated): gnomAD 0.00001 and 0.00005; TOPMed 0.00003; gnomAD exomes 0.00009 and 0.00022; ExAC 0.00023.
gnomAD v4.1: 142 of 1,613,754 alleles (0.0088%); highest among the groups gnomAD compares: South Asian, 0.13%; 1 homozygote.

Submissions (4):

Ambry Genetics
Classification: Likely benign for Inborn genetic diseases. Last evaluated: 2025-11-08. Review status: criteria provided, single submitter. Criteria: Ambry Variant Classification Scheme 2023. Collection method: clinical testing. Allele origin: germline.

Labcorp Genetics (formerly Invitae), Labcorp
Classification: Uncertain significance. Last evaluated: 2022-10-13. Review status: criteria provided, single submitter. Criteria: Invitae Variant Classification Sherloc (09022015). Collection method: clinical testing. Allele origin: germline.
Comment: ClinVar contains an entry for this variant (Variation ID: 195826). This variant has not been reported in the literature in individuals affected with LAMA1-related conditions. This variant is present in population databases (rs773505947, gnomAD 0.2%). This sequence change replaces glutamic acid, which is acidic and polar, with lysine, which is basic and polar, at codon 1131 of the LAMA1 protein (p.Glu1131Lys). Advanced modeling of protein sequence and biophysical properties (such as structural, functional, and spatial information, amino acid conservation, physicochemical variation, residue mobility, and thermodynamic stability) performed at Invitae indicates that this missense variant is not expected to disrupt LAMA1 protein function. In summary, the available evidence is currently insufficient to determine the role of this variant in disease. Therefore, it has been classified as a Variant of Uncertain Significance.

Revvity Omics, Revvity
Classification: Uncertain significance for Ataxia - intellectual disability - oculomotor apraxia - cerebellar cysts syndrome. Last evaluated: 2019-04-29. Review status: criteria provided, single submitter. Criteria: ACMG Guidelines, 2015. Collection method: clinical testing. Allele origin: germline.

Eurofins Ntd Llc (ga)
Classification: Uncertain significance. Last evaluated: 2015-04-03. Review status: criteria provided, single submitter. Criteria: EGL Classification Definitions 2015. Collection method: clinical testing. Allele origin: germline. Observed: 1 variant allele, 1 heterozygote.